The following is an entry in ClinVar:

ClinVar aggregate classification (germline): Likely benign. Review status: criteria provided, single submitter (1 of 4 stars). 2 submissions from 2 submitters: Likely benign (1). 1 of the submissions does not count toward it. Last evaluated 2025-11-01.

Conditions:
ANKFY1-related disorder. Also called: ANKFY1-related condition.

Allele frequency attached by ClinVar (database versions not stated): 1000 Genomes Project 30x 0.00094; 1000 Genomes Project 0.00100; ExAC 0.00311; ESP Exome Variant Server 0.00457.
gnomAD v4.1: 7,776 of 1,614,090 alleles (0.48%); highest among the groups gnomAD compares: Non-Finnish European, 0.58%; 24 homozygotes.

Submissions (2):

CeGaT Center for Human Genetics Tuebingen
Classification: Likely benign. Last evaluated: 2025-11-01. Review status: criteria provided, single submitter. Criteria: CeGaT Center For Human Genetics Tuebingen Variant Classification Criteria Version 2. Collection method: clinical testing. Allele origin: germline. Affected: yes. Observed: 2 variant alleles.
Comment: ANKFY1: BP4, BS2

PreventionGenetics, part of Exact Sciences
Classification: Likely benign for ANKFY1-related condition. Last evaluated: 2020-03-09. Review status: no assertion criteria provided. Collection method: clinical testing. Allele origin: germline. Not counted in ClinVar's aggregate classification.
Comment: This variant is classified as likely benign based on ACMG/AMP sequence variant interpretation guidelines (Richards et al. 2015 PMID: 25741868, with internal and published modifications).

NM_001330063.2(ANKFY1):c.1123A>G (p.Ile375Val)

Gene: ANKFY1 (ankyrin repeat and FYVE domain containing 1; minus strand). Cytogenetic location: 17p13.2.
Variant type: single nucleotide variant.
Coding change: c.1123A>G on transcript NM_001330063.2 (MANE Select); coding-DNA position 1123, A replaced by G.
Protein change: p.Ile375Val; replaces isoleucine 375 with valine.
Molecular consequence: missense variant. On other transcripts: non-coding transcript variant (1).
Genome position (GRCh38, 1-based): chr17:4,195,452, T>C on the plus strand (A>G on the coding strand, the complement: ANKFY1 is on the minus strand). VCF-style: chr17-4195452-T-C. GRCh37 (hg19) VCF-style: chr17-4098747-T-C.
Other names: c.1249A>G, p.Ile417Val (NM_001257999.3); c.1123A>G, p.Ile375Val (NM_016376.5); c.1249A>G (NM_001257999.2); short protein forms I375V, I417V.
Identifiers: ClinVar variation 2570966 (VCV002570966.28), dbSNP rs199871848, ClinGen allele CA8301547.